The following is an entry in ClinVar:

ClinVar aggregate classification (germline): Pathogenic. Review status: criteria provided, multiple submitters, no conflicts (2 of 4 stars). 3 submissions from 3 submitters: Pathogenic (3). Last evaluated 2025-06-01.

Conditions:
Duchenne muscular dystrophy (DMD). Also called: MUSCULAR DYSTROPHY, PSEUDOHYPERTROPHIC PROGRESSIVE, DUCHENNE TYPE; Duchenne Muscular Dystrophy (DMD). Identifiers: Orphanet 98896, MedGen C0013264, MONDO:0010679, OMIM 310200.
Becker muscular dystrophy, Cardiomyopathy, Duchenne muscular dystrophy, Dystrophin deficiency.

Submissions (3):

Labcorp Genetics (formerly Invitae), Labcorp
Classification: Pathogenic for Duchenne muscular dystrophy. Last evaluated: 2025-06-01. Review status: criteria provided, single submitter. Criteria: Invitae Variant Classification Sherloc (09022015). Collection method: clinical testing. Allele origin: germline.
Comment: This sequence change creates a premature translational stop signal (p.Lys1850Alafs*8) in the DMD gene. It is expected to result in an absent or disrupted protein product. Loss-of-function variants in DMD are known to be pathogenic (PMID: 16770791, 25007885). This variant is not present in population databases (gnomAD no frequency). This premature translational stop signal has been observed in individual(s) with Duchenne muscular dystrophy (PMID: 19937601). ClinVar contains an entry for this variant (Variation ID: 501218). For these reasons, this variant has been classified as Pathogenic.

Natera, Inc.
Classification: Pathogenic for Becker muscular dystrophy, Cardiomyopathy, Duchenne muscular dystrophy, Dystrophin deficiency. Last evaluated: 2024-09-06. Review status: criteria provided, single submitter. Criteria: Natera Variant Classification Schema (03/2026). Collection method: clinical testing. Allele origin: germline.
Comment: The c.5548_5552del variant in DMD is a frameshift variant predicted to shift the reading frame beginning at codon 1850 and leads to a stop codon 8 codons downstream. This variant is expected to result in nonsense mediated decay, truncation, or a dysfunctional protein product. This variant is rare in the general population with a frequency below the threshold expected for the associated phenotype(s). This variant has been observed in affected individual(s) with monoallelic occurrence (heterozygous/hemizygous) (PMID: 19937601). Given the available evidence, this variant is classified as Pathogenic.

Eurofins Ntd Llc (ga)
Classification: Pathogenic. Last evaluated: 2017-04-11. Review status: criteria provided, single submitter. Criteria: EGL Classification Definitions 2015. Collection method: clinical testing. Allele origin: germline. Observed: 1 variant allele, 1 hemizygote.

Literature cited by the submitters: PubMed 16770791 (cited by Labcorp Genetics (formerly Invitae), Labcorp); PubMed 25007885 (cited by Labcorp Genetics (formerly Invitae), Labcorp); PubMed 19937601 (cited by Labcorp Genetics (formerly Invitae), Labcorp and Natera, Inc.).

NM_004006.3(DMD):c.5548_5552del (p.Lys1850fs)

Gene: DMD (dystrophin; minus strand). Cytogenetic location: Xp21.1.
Variant type: Deletion.
Coding change: c.5548_5552del on transcript NM_004006.3 (MANE Select); coding-DNA positions 5548 to 5552, 5 bases deleted (AAACA; older notation c.5548_5552delAAACA).
Protein change: p.Lys1850fs; shifts the reading frame from lysine 1850.
Molecular consequence: frameshift variant.
Genome position (GRCh38, 1-based): chrX:32,345,977-32,345,981, TGTTT deleted on the plus strand (AAACA on the coding strand, the reverse complement: DMD is on the minus strand); deleting any 5 consecutive bases within chrX:32,345,977-32,345,982 gives the same sequence; the c. name uses the placement nearest the transcript's 3' end. VCF-style (leftmost placement, unchanged base first): chrX-32345976-CTGTTT-C. GRCh37 (hg19) VCF-style: chrX-32364093-CTGTTT-C.
Other names: c.5524_5528del, p.Lys1842fs (NM_000109.4); c.5536_5540del, p.Lys1846fs (NM_004009.3); c.5179_5183del, p.Lys1727fs (NM_004010.3); c.1525_1529del, p.Lys509fs (NM_004011.4); c.1516_1520del, p.Lys506fs (NM_004012.4); c.5548_5552del (NM_004006.2); c.5548_5552delAAACA (NM_004006.2); short protein forms K506fs, K1846fs, K1727fs, K1850fs, K1842fs, K509fs.
Identifiers: ClinVar variation 501218 (VCV000501218.15), dbSNP rs1557292678, ClinGen allele CA658799689.
Genomic context (GRCh38, chrX:32,345,976, plus strand): 5'-GGTATATTATAATTTTAGCTCTAATACCTTGAGAGCATTATGTTTTGTCTGTAACAGCTG[CTGTTT>C]TATCTTTATTTCCTCTCGCTTTCTCTCATCTGTGATTCTTTGTTGTAAGTTGTCTCCTCT-3'